The following is an entry in ClinVar:

NM_001005361.3(DNM2):c.601A>G (p.Ile201Val)

Gene: DNM2 (dynamin 2; plus strand). Cytogenetic location: 19p13.2.
Variant type: single nucleotide variant.
Coding change: c.601A>G on transcript NM_001005361.3 (MANE Select); coding-DNA position 601, A replaced by G.
Protein change: p.Ile201Val; replaces isoleucine 201 with valine.
Molecular consequence: missense variant.
Genome position (GRCh38, 1-based): chr19:10,777,129, A>G. VCF-style: chr19-10777129-A-G. GRCh37 (hg19) VCF-style: chr19-10887805-A-G.
Other names: c.601A>G, p.Ile201Val (NM_001005360.3, NM_001005362.3, NM_001190716.2 and 1 more transcripts); short protein forms I201V.
Identifiers: ClinVar variation 1418778 (VCV001418778.6), dbSNP rs969140793, ClinGen allele CA305271533.

ClinVar aggregate classification (germline): Uncertain significance (1 of 4 stars; one submission).

Conditions:
Charcot-Marie-Tooth disease dominant intermediate B (CMTDIB). Also called: Charcot-Marie-Tooth disease dominant intermediate 1; CMT DI1; Charcot-Marie-Tooth disease dominant intermediate I; CHARCOT-MARIE-TOOTH NEUROPATHY, DOMINANT INTERMEDIATE B. Identifiers: Orphanet 100044, Orphanet 228179, MedGen C1847902, MONDO:0011674, OMIM 606482.

Allele frequency attached by ClinVar (database versions not stated): gnomAD exomes 0.00001; TOPMed 0.00004; gnomAD 0.00006.
gnomAD v4.1: 18 of 1,614,098 alleles (0.0011%); highest among the groups gnomAD compares: African/African-American, 0.017%; no homozygotes.

Submission:

Labcorp Genetics (formerly Invitae), Labcorp
Classification: Uncertain significance for Charcot-Marie-Tooth disease dominant intermediate B. Last evaluated: 2025-11-20. Review status: criteria provided, single submitter. Criteria: Invitae Variant Classification Sherloc (09022015). Collection method: clinical testing. Allele origin: germline.
Comment: This sequence change replaces isoleucine, which is neutral and non-polar, with valine, which is neutral and non-polar, at codon 201 of the DNM2 protein (p.Ile201Val). This variant is present in population databases (no rsID available, gnomAD 0.02%). This variant has not been reported in the literature in individuals affected with DNM2-related conditions. ClinVar contains an entry for this variant (Variation ID: 1418778). Invitae Evidence Modeling of protein sequence and biophysical properties (such as structural, functional, and spatial information, amino acid conservation, physicochemical variation, residue mobility, and thermodynamic stability) has been performed for this missense variant. However, the output from this modeling did not meet the statistical confidence thresholds required to predict the impact of this variant on DNM2 protein function. In summary, the available evidence is currently insufficient to determine the role of this variant in disease. Therefore, it has been classified as a Variant of Uncertain Significance.